The following is an entry in ClinVar:

ClinVar aggregate classification (germline): Likely benign. Review status: criteria provided, multiple submitters, no conflicts (2 of 4 stars). 2 submissions from 2 submitters: Likely benign (2). Last evaluated 2025-07-23.

Conditions:
PGAM2-related disorder. Also called: PGAM2-related condition.
Glycogen storage disease type X (GSD10). Also called: Glycogen storage disease due to phosphoglycerate mutase deficiency; GSD X; MYOPATHY DUE TO PHOSPHOGLYCERATE MUTASE DEFICIENCY; PGAMM DEFICIENCY; PHOSPHOGLYCERATE MUTASE, MUSCLE, DEFICIENCY OF; Dimauro disease. Identifiers: Orphanet 97234, MedGen C0268149, MONDO:0009865, OMIM 261670.

Allele frequency attached by ClinVar (database versions not stated): gnomAD 0.00001.

Submissions (2):

PreventionGenetics, part of Exact Sciences
Classification: Likely benign for PGAM2-related condition. Last evaluated: 2025-07-23. Review status: criteria provided, single submitter. Criteria: ACMG Guidelines, 2015. Collection method: clinical testing. Allele origin: germline.
Comment: This variant is classified as likely benign based on ACMG/AMP sequence variant interpretation guidelines (Richards et al. 2015 PMID: 25741868, with internal and published modifications).

Labcorp Genetics (formerly Invitae), Labcorp
Classification: Likely benign for Glycogen storage disease type X. Last evaluated: 2025-05-11. Review status: criteria provided, single submitter. Criteria: Invitae Variant Classification Sherloc (09022015). Collection method: clinical testing. Allele origin: germline.

NM_000290.4(PGAM2):c.504C>T (p.Asn168=)

Genes: DBNL (drebrin like; plus strand), PGAM2 (phosphoglycerate mutase 2; minus strand), LOC129998341 (ATAC-STARR-seq lymphoblastoid active region 25924; plus strand). Cytogenetic location: 7p13.
Variant type: single nucleotide variant.
Coding change: c.504C>T on transcript NM_000290.4 (MANE Select); coding-DNA position 504, C replaced by T.
Protein change: p.Asn168=; no amino-acid change (asparagine 168 retained).
Molecular consequence: synonymous variant. On other transcripts: 3 prime UTR variant (6).
Genome position (GRCh38, 1-based): chr7:44,064,923, G>A on the plus strand (C>T on the coding strand, the complement: PGAM2 is on the minus strand). VCF-style: chr7-44064923-G-A. GRCh37 (hg19) VCF-style: chr7-44104522-G-A.
Other names: c.504C>T (NM_000290.3); c.*4007G>A (NM_001014436.3, NM_001122956.2, NM_001284313.2 and 3 more transcripts).
Identifiers: ClinVar variation 1983278 (VCV001983278.5), dbSNP rs1309303593, ClinGen allele CA454611692.